The following is an entry in ClinVar:

NM_004655.4(AXIN2):c.245T>C (p.Leu82Ser)

Gene: AXIN2 (axin 2; minus strand). Cytogenetic location: 17q24.1.
Variant type: single nucleotide variant.
Coding change: c.245T>C on transcript NM_004655.4 (MANE Select); coding-DNA position 245, T replaced by C.
Protein change: p.Leu82Ser; replaces leucine 82 with serine.
Molecular consequence: missense variant.
Genome position (GRCh38, 1-based): chr17:65,558,376, A>G on the plus strand (T>C on the coding strand, the complement: AXIN2 is on the minus strand). VCF-style: chr17-65558376-A-G. GRCh37 (hg19) VCF-style: chr17-63554494-A-G.
Other names: c.245T>C, p.Leu82Ser (NM_001363813.1); short protein forms L82S.
Identifiers: ClinVar variation 2586364 (VCV002586364.5), dbSNP rs2044306256, ClinGen allele CA400681825.
Genomic context (GRCh38, chr17:65,558,376, plus strand): 5'-TCCCTCTCCAGGAAAGTTCGGAACAGGTAAGCACCGTCTTGATCGCCCAATAAGGAGTGT[A>G]AGGACTTGGTCCACCGGGTCAGAGGGGAATCCGGAGATGCCCGCCCCTCCGGCTCCCCCA-3'
Protein context (NP_004646.3, residues 72-92): DSPLTRWTKS[Leu82Ser]HSLLGDQDGA

ClinVar aggregate classification (germline): Uncertain significance. Review status: criteria provided, multiple submitters, no conflicts (2 of 4 stars). 2 submissions from 2 submitters: Uncertain significance (2). Last evaluated 2023-11-21.

Conditions:
Hereditary cancer-predisposing syndrome. Also called: Hereditary neoplastic syndrome; Tumor predisposition; Hereditary Cancer Syndrome; Neoplastic Syndromes, Hereditary. Identifiers: Orphanet 140162, MedGen C0027672, MeSH D009386, MONDO:0015356.
Oligodontia-cancer predisposition syndrome. Also called: TOOTH AGENESIS-COLORECTAL CANCER SYNDROME. Identifiers: Orphanet 300576, MedGen C1837750, MONDO:0012075, OMIM 608615. Disease mechanism: loss of function.

Allele frequency attached by ClinVar (database versions not stated): TOPMed below 0.00001.

Submissions (2):

Labcorp Genetics (formerly Invitae), Labcorp
Classification: Uncertain significance for Oligodontia-cancer predisposition syndrome. Last evaluated: 2023-11-21. Review status: criteria provided, single submitter. Criteria: Invitae Variant Classification Sherloc (09022015). Collection method: clinical testing. Allele origin: germline.
Comment: This sequence change replaces leucine, which is neutral and non-polar, with serine, which is neutral and polar, at codon 82 of the AXIN2 protein (p.Leu82Ser). This variant is not present in population databases (gnomAD no frequency). This variant has not been reported in the literature in individuals affected with AXIN2-related conditions. Advanced modeling of protein sequence and biophysical properties (such as structural, functional, and spatial information, amino acid conservation, physicochemical variation, residue mobility, and thermodynamic stability) performed at Invitae indicates that this missense variant is expected to disrupt AXIN2 protein function with a positive predictive value of 80%. In summary, the available evidence is currently insufficient to determine the role of this variant in disease. Therefore, it has been classified as a Variant of Uncertain Significance.

Ambry Genetics
Classification: Uncertain significance for Hereditary cancer-predisposing syndrome. Last evaluated: 2023-08-31. Review status: criteria provided, single submitter. Criteria: Ambry Variant Classification Scheme 2023. Collection method: clinical testing. Allele origin: germline.
Comment: The p.L82S variant (also known as c.245T>C), located in coding exon 1 of the AXIN2 gene, results from a T to C substitution at nucleotide position 245. The leucine at codon 82 is replaced by serine, an amino acid with dissimilar properties. This amino acid position is highly conserved in available vertebrate species. In addition, this alteration is predicted to be deleterious by in silico analysis. Since supporting evidence is limited at this time, the clinical significance of this alteration remains unclear.